The following is an entry in ClinVar:

NM_001177316.2(SLC34A3):c.614T>A (p.Val205Asp)

Gene: SLC34A3 (solute carrier family 34 member 3; plus strand). Cytogenetic location: 9q34.3.
Variant type: single nucleotide variant.
Coding change: c.614T>A on transcript NM_001177316.2 (MANE Select); coding-DNA position 614, T replaced by A.
Protein change: p.Val205Asp; replaces valine 205 with aspartic acid.
Molecular consequence: missense variant.
Genome position (GRCh38, 1-based): chr9:137,233,262, T>A. VCF-style: chr9-137233262-T-A. GRCh37 (hg19) VCF-style: chr9-140127714-T-A.
Other names: c.614T>A, p.Val205Asp (NM_001177317.2, NM_080877.3); short protein forms V205D.
Identifiers: ClinVar variation 1388264 (VCV001388264.6), dbSNP rs774506457, ClinGen allele CA375731166.

ClinVar aggregate classification (germline): Uncertain significance (1 of 4 stars; one submission).

Submission:

Labcorp Genetics (formerly Invitae), Labcorp
Classification: Uncertain significance. Last evaluated: 2021-10-20. Review status: criteria provided, single submitter. Criteria: Invitae Variant Classification Sherloc (09022015). Collection method: clinical testing. Allele origin: germline.
Comment: In summary, the available evidence is currently insufficient to determine the role of this variant in disease. Therefore, it has been classified as a Variant of Uncertain Significance. Algorithms developed to predict the effect of missense changes on protein structure and function are either unavailable or do not agree on the potential impact of this missense change (SIFT: "Deleterious"; PolyPhen-2: "Possibly Damaging"; Align-GVGD: "Class C15"). This variant has not been reported in the literature in individuals affected with SLC34A3-related conditions. This variant is not present in population databases (ExAC no frequency). This sequence change replaces valine with aspartic acid at codon 205 of the SLC34A3 protein (p.Val205Asp). The valine residue is highly conserved and there is a large physicochemical difference between valine and aspartic acid.